The following is an entry in ClinVar:

NM_138477.4(CDAN1):c.3683A>G (p.Ter1228Trp)

Gene: CDAN1 (codanin 1; minus strand). Cytogenetic location: 15q15.2.
Variant type: single nucleotide variant.
Coding change: c.3683A>G on transcript NM_138477.4 (MANE Select); coding-DNA position 3683, A replaced by G.
Protein change: p.Ter1228Trp.
Molecular consequence: stop lost.
Genome position (GRCh38, 1-based): chr15:42,724,492, T>C on the plus strand (A>G on the coding strand, the complement: CDAN1 is on the minus strand). VCF-style: chr15-42724492-T-C. GRCh37 (hg19) VCF-style: chr15-43016690-T-C.
Identifiers: ClinVar variation 2176234 (VCV002176234.5), dbSNP rs753360990, ClinGen allele CA392024477.

ClinVar aggregate classification (germline): Uncertain significance. Review status: criteria provided, multiple submitters, no conflicts (2 of 4 stars). 2 submissions from 2 submitters: Uncertain significance (2). Last evaluated 2023-10-25.

Conditions:
Anemia, congenital dyserythropoietic, type 1a (CDAN1A). Also called: CDAN1-Related Congenital Dyserythropoietic Anemia; DYSERYTHROPOIETIC ANEMIA, CONGENITAL, TYPE Ia. Identifiers: MedGen C5574667, MONDO:0009135, OMIM 224120.

Allele frequency attached by ClinVar (database versions not stated): gnomAD exomes below 0.00001.
gnomAD v4.1: 3 of 1,577,208 alleles (0.00019%); highest among the groups gnomAD compares: Admixed American, 0.0018%; no homozygotes.

Submissions (2):

Revvity Omics, Revvity
Classification: Uncertain significance for Anemia, congenital dyserythropoietic, type 1a. Last evaluated: 2023-10-25. Review status: criteria provided, single submitter. Criteria: ACMG Guidelines, 2015. Collection method: clinical testing. Allele origin: germline.

Labcorp Genetics (formerly Invitae), Labcorp
Classification: Uncertain significance. Last evaluated: 2022-08-19. Review status: criteria provided, single submitter. Criteria: Invitae Variant Classification Sherloc (09022015). Collection method: clinical testing. Allele origin: germline.
Comment: This sequence change disrupts the translational stop signal of the CDAN1 mRNA. It is expected to extend the length of the CDAN1 protein by 2 additional amino acid residues. The frequency data for this variant in the population databases is considered unreliable, as metrics indicate poor data quality at this position in the gnomAD database. In summary, the available evidence is currently insufficient to determine the role of this variant in disease. Therefore, it has been classified as a Variant of Uncertain Significance. This variant has not been reported in the literature in individuals affected with CDAN1-related conditions.